The following is an entry in ClinVar:

ClinVar aggregate classification (germline): Conflicting classifications of pathogenicity. Review status: criteria provided, conflicting classifications (1 of 4 stars). 18 submissions from 18 submitters: Uncertain significance (3); Benign (2); Likely benign (8). 5 of the submissions do not count toward it. Last evaluated 2026-01-25.

Conditions:
BRCA2-related disorder. Also called: BRCA2-related condition; BRCA2-related disorders. Identifiers: MedGen CN239275.
Hereditary cancer-predisposing syndrome. Also called: Hereditary Cancer Syndrome; Neoplastic Syndromes, Hereditary; Hereditary neoplastic syndrome; Tumor predisposition. Identifiers: Orphanet 140162, MedGen C0027672, MeSH D009386, MONDO:0015356.
Hereditary breast ovarian cancer syndrome. Also called: Hereditary breast and ovarian cancer syndrome; Breast and ovarian cancer; BRCA1- and BRCA2-Associated Hereditary Breast and Ovarian Cancer; Hereditary breast and/or ovarian cancer syndrome; Hereditary breast and ovarian cancer; Hereditary breast and ovarian cancer syndrome (HBOC). Identifiers: Orphanet 145, MedGen C0677776, MeSH D061325, MONDO:0003582. Disease mechanism: loss of function.
Breast-ovarian cancer, familial, susceptibility to, 2 (BROVCA2). Also called: BRCA2 Hereditary Breast and Ovarian Cancer. Identifiers: Orphanet 145, MedGen C2675520, MONDO:0012933, OMIM 612555. Disease mechanism: loss of function.
Malignant tumor of breast. Also called: Malignant breast neoplasm; Cancer breast. Identifiers: MedGen C0006142, MONDO:0007254. Disease mechanism: loss of function.

Allele frequency attached by ClinVar (database versions not stated): gnomAD 0.00002 and 0.00003; ExAC 0.00004; gnomAD exomes 0.00004; TOPMed 0.00005.
gnomAD v4.1: 65 of 1,612,538 alleles (0.004%); highest among the groups gnomAD compares: Non-Finnish European, 0.0053%; no homozygotes.

Submissions (18):

Labcorp Genetics (formerly Invitae), Labcorp
Classification: Benign for Hereditary breast ovarian cancer syndrome. Last evaluated: 2026-01-25. Review status: criteria provided, single submitter. Criteria: Invitae Variant Classification Sherloc (09022015). Collection method: clinical testing. Allele origin: germline.

Center for Genomic Medicine, Rigshospitalet, Copenhagen University Hospital
Classification: Uncertain significance. Last evaluated: 2025-03-04. Review status: criteria provided, single submitter. Criteria: ACMG Guidelines, 2015. Collection method: clinical testing. Allele origin: germline.

PreventionGenetics, part of Exact Sciences
Classification: Likely benign for BRCA2-related condition. Last evaluated: 2024-11-01. Review status: criteria provided, single submitter. Criteria: ACMG Guidelines, 2015. Collection method: clinical testing. Allele origin: germline.
Comment: This variant is classified as likely benign based on ACMG/AMP sequence variant interpretation guidelines (Richards et al. 2015 PMID: 25741868, with internal and published modifications).

Blueprint Genetics
Classification: Likely benign. Last evaluated: 2024-08-26. Review status: criteria provided, single submitter. Criteria: ACMG Guidelines, 2015. Collection method: clinical testing. Allele origin: germline.

University of Washington Department of Laboratory Medicine, University of Washington
Classification: Likely benign for Hereditary cancer-predisposing syndrome. Last evaluated: 2023-03-23. Review status: criteria provided, single submitter. Criteria: Dines et al. (Genet Med. 2020). Collection method: curation. Allele origin: germline.
Comment: Missense variant in a coldspot region where missense variants are very unlikely to be pathogenic (PMID:31911673).

BRCA2 exon 11 coldspot. Reclassification based on statistical prior probability.

Quest Diagnostics Nichols Institute San Juan Capistrano
Classification: Likely benign. Last evaluated: 2022-10-20. Review status: criteria provided, single submitter. Criteria: Quest Diagnostics criteria. Collection method: clinical testing. Allele origin: unknown.

Sema4
Classification: Likely benign for Hereditary cancer-predisposing syndrome. Last evaluated: 2021-07-27. Review status: criteria provided, single submitter. Criteria: Sema4 Curation Guidelines. Collection method: curation. Allele origin: germline.

GeneKor MSA
Classification: Uncertain significance for Hereditary cancer-predisposing syndrome. Last evaluated: 2018-08-01. Review status: criteria provided, single submitter. Criteria: ACMG Guidelines, 2015. Collection method: clinical testing. Allele origin: germline. Affected: yes.

Color Diagnostics, LLC DBA Color Health
Classification: Likely benign for Hereditary cancer-predisposing syndrome. Last evaluated: 2018-05-16. Review status: criteria provided, single submitter. Criteria: ACMG Guidelines, 2015. Collection method: clinical testing. Allele origin: germline.

GeneDx
Classification: Likely benign. Last evaluated: 2018-02-15. Review status: criteria provided, single submitter. Criteria: GeneDx Variant Classification (06012015). Collection method: clinical testing. Allele origin: germline. Affected: yes.
Comment: This variant is considered likely benign or benign based on one or more of the following criteria: it is a conservative change, it occurs at a poorly conserved position in the protein, it is predicted to be benign by multiple in silico algorithms, and/or has population frequency not consistent with disease.

Women's Health and Genetics/Laboratory Corporation of America, LabCorp
Classification: Likely benign. Last evaluated: 2017-08-24. Review status: criteria provided, single submitter. Criteria: LabCorp Variant Classification Summary - May 2015. Collection method: clinical testing. Allele origin: germline.
Comment: Variant summary: The BRCA2 c.2944A>C (p.Ile982Leu) variant causes a missense change involving the alteration of a conserved nucleotide. 4/4 in silico tools predict a benign outcome for this variant (SNPsandGO not captured due to low reliability index). This variant was found in the large control database ExAC in 5/120330 control chromosomes at a frequency of 0.0000416, which does not exceed the estimated maximal expected allele frequency of a pathogenic BRCA2 variant (0.0007503). The variant has been reported in the literature in an affected individual, without strong evidence for causality. Three clinical diagnostic laboratories classified this variant as uncertain significance, and one other lab classified it as benign, all without evidence for independent evaluaiton. UMD and BIC databases cite this variant in three individuals as co-occurring with pathogenic variants BRCA1 c.4327C>T (p.Arg1443X), BRCA1 c.4964_4982del (p.Ser956=fs), and BRCA2 c.7638-7647del (p.Lys257X), respectively, supporting the non-pathogenic role of this variant. Taken together, this variant is classified as likely benign.

Eurofins Ntd Llc (ga)
Classification: Uncertain significance. Last evaluated: 2015-04-28. Review status: criteria provided, single submitter. Criteria: EGL Classification Definitions 2015. Collection method: clinical testing. Allele origin: germline. Observed: 1 variant allele, 1 heterozygote.

Ambry Genetics
Classification: Benign for Hereditary cancer-predisposing syndrome. Last evaluated: 2014-05-27. Review status: criteria provided, single submitter. Criteria: Ambry Variant Classification Scheme 2023. Collection method: clinical testing. Allele origin: germline.

Mayo Clinic Laboratories, Mayo Clinic
Classification: Benign. Last evaluated: 2024-05-01. Review status: no assertion criteria provided. Collection method: clinical testing. Allele origin: unknown. Not counted in ClinVar's aggregate classification.
Comment: BS1_sup, BS4, BP1_strong, BP5_mod

Department of Medical and Surgical Sciences, University of Bologna
Classification: Benign for Breast-ovarian cancer, familial, susceptibility to, 2. Last evaluated: 2023-09-01. Review status: no assertion criteria provided. Collection method: clinical testing. Allele origin: germline. Affected: yes. Not counted in ClinVar's aggregate classification.
Comment: BS1(Supporting)+BP1(Strong)+BP5(Very Strong) according to ACMG/AMP classification guidelines specified for BRCA1 & BRCA2 (Classification Criteria V1.0.0 2023-09-08) (PMID: 38160042)

True Health Diagnostics
Classification: Likely benign for Hereditary cancer-predisposing syndrome. Last evaluated: 2017-11-14. Review status: no assertion criteria provided. Collection method: clinical testing. Allele origin: germline. Not counted in ClinVar's aggregate classification.

Breast Cancer Information Core (BIC) (BRCA2)
Classification: Uncertain significance for Breast-ovarian cancer, familial 2. Last evaluated: 2002-05-29. Review status: no assertion criteria provided. Collection method: clinical testing. Allele origin: germline. Affected: yes. Observed: 11 variant alleles. Not counted in ClinVar's aggregate classification.

Department of Pathology and Laboratory Medicine, Sinai Health System
Classification: Likely benign for Malignant tumor of breast. Review status: no assertion criteria provided. Collection method: clinical testing. Allele origin: unknown. Affected: yes. Study: The Canadian Open Genetics Repository (COGR). Not counted in ClinVar's aggregate classification.
Comment: BRCA2, EXON11, c.2944A>C, p.Ile982Leu, Heterozygous, Likely Benign The BRCA2 p.Ile982Leu variant was identified in 1 of 512 proband chromosomes (frequency: 0.002) from French Canadian individuals or families with hereditary breast and/or ovarian cancer (Simard 2007). The variant was also identified in dbSNP (ID: rs28897717) as â€šÃ„ÃºWith Uncertain significance alleleâ€šÃ„Ã¹, ClinVar (classified as uncertain significance by GeneDx, EGL Genetic Diagnostics, Quest Diagnostics, Invitae, BIC and our laboratory; and as benign by Ambry Genetics), LOVD 3.0 (3 entries, effect unknown or not classified), UMD-LSDB (9 entries for this variant including one patient with a co-occurring, pathogenic BRCA2 mutation (c.7638_7647del, p.Lys254X) and another with a co-occurring, pathogenic BRCA1 mutation (c.4327C>T, p.Arg1443X), and the BIC Database (11 entries, classification pending). The variant was identified in control databases in 8 of 244434 chromosomes at a frequency of 0.00003 (Genome Aggregation Database Feb 27, 2017). It was observed in the following populations: â€šÃ„ÃºOtherâ€šÃ„Ã¹ in 1 of 5442 chromosomes (freq: 0.0002), European Non-Finnish in 7 of 110922 chromosomes (freq: 0.00006), but not in the African, Latino, Ashkenazi Jewish, East Asian, European Finnish, or South Asian populations. The p.Ile982Leu residue is not conserved in mammals and computational analyses (PolyPhen-2, SIFT, AlignGVGD, BLOSUM, MutationTaster) do not suggest a high likelihood of impact to the protein; however, this information is not predictive enough to rule out pathogenicity. The variant occurs outside of the splicing consensus sequence and 1 of 5 in silico or computational prediction software programs (SpliceSiteFinder, MaxEntScan, NNSPLICE, GeneSplicer, HumanSpliceFinder) predict a greater than 10% difference in splicing; this is not very predictive of pathogenicity. In summary, based on the above information, the clinical significance of this variant cannot be determined with certainty at this time although we would lean towards a more benign role for this variant. This variant is classified as likely benign.

Literature cited by the submitters: PubMed 30254663 (cited by Center for Genomic Medicine, Rigshospitalet, Copenhagen University Hospital and Quest Diagnostics Nichols Institute San Juan Capistrano); PubMed 31131967 (cited by 3 submitters); PubMed 28873162 (cited by Quest Diagnostics Nichols Institute San Juan Capistrano); PubMed 33471991 (cited by Quest Diagnostics Nichols Institute San Juan Capistrano); PubMed 32438681 (cited by Quest Diagnostics Nichols Institute San Juan Capistrano); PubMed 34597585 (cited by Quest Diagnostics Nichols Institute San Juan Capistrano); PubMed 31159747 (cited by Quest Diagnostics Nichols Institute San Juan Capistrano); PubMed 16905680 (cited by Quest Diagnostics Nichols Institute San Juan Capistrano and Women's Health and Genetics/Laboratory Corporation of America, LabCorp); PubMed 22476429 (cited by Women's Health and Genetics/Laboratory Corporation of America, LabCorp); PubMed 26689913 (cited by Women's Health and Genetics/Laboratory Corporation of America, LabCorp).

NM_000059.4(BRCA2):c.2944A>C (p.Ile982Leu)

Gene: BRCA2 (BRCA2 DNA repair associated; plus strand). Cytogenetic location: 13q13.1.
Variant type: single nucleotide variant.
Coding change: c.2944A>C on transcript NM_000059.4 (MANE Select); coding-DNA position 2944, A replaced by C.
Protein change: p.Ile982Leu; replaces isoleucine 982 with leucine.
Molecular consequence: missense variant.
Genome position (GRCh38, 1-based): chr13:32,337,299, A>C. VCF-style: chr13-32337299-A-C. GRCh37 (hg19) VCF-style: chr13-32911436-A-C.
Other names: p.I982L:ATA>CTA; short protein forms I982L.
Identifiers: ClinVar variation 51375 (VCV000051375.34), dbSNP rs28897717, ClinGen allele CA016848.